The following is an entry in ClinVar:

ClinVar aggregate classification (germline): Uncertain significance (0 of 4 stars; one submission).

Conditions:
ATP2A1-related disorder. Also called: ATP2A1-related condition.

gnomAD v4.1: 7 of 1,614,190 alleles (0.00043%); highest among the groups gnomAD compares: Non-Finnish European, 0.00059%; no homozygotes.

Submission:

PreventionGenetics, part of Exact Sciences
Classification: Uncertain significance for ATP2A1-related condition. Last evaluated: 2024-02-08. Review status: no assertion criteria provided. Collection method: clinical testing. Allele origin: germline.
Comment: The ATP2A1 c.343G>T variant is predicted to result in the amino acid substitution p.Ala115Ser. To our knowledge, this variant has not been reported in the literature. This variant is reported in 0.0018% of alleles in individuals of European (Non-Finnish) descent in gnomAD. At this time, the clinical significance of this variant is uncertain due to the absence of conclusive functional and genetic evidence.

NM_004320.6(ATP2A1):c.343G>T (p.Ala115Ser)

Gene: ATP2A1 (ATPase sarcoplasmic/endoplasmic reticulum Ca2+ transporting 1; plus strand). Cytogenetic location: 16p11.2.
Variant type: single nucleotide variant.
Coding change: c.343G>T on transcript NM_004320.6 (MANE Select); coding-DNA position 343, G replaced by T.
Protein change: p.Ala115Ser; replaces alanine 115 with serine.
Molecular consequence: missense variant. On other transcripts: 5 prime UTR variant (1).
Genome position (GRCh38, 1-based): chr16:28,882,469, G>T. VCF-style: chr16-28882469-G-T. GRCh37 (hg19) VCF-style: chr16-28893790-G-T.
Other names: c.-33G>T (NM_001286075.2); c.343G>T, p.Ala115Ser (NM_173201.5); short protein forms A115S.
Identifiers: ClinVar variation 3049999 (VCV003049999.2), dbSNP rs908803462, ClinGen allele CA395401062.